The following is an entry in ClinVar:

ClinVar aggregate classification (germline): Uncertain significance (1 of 4 stars; one submission).

Allele frequency attached by ClinVar (database versions not stated): gnomAD exomes below 0.00001; TOPMed below 0.00001; gnomAD 0.00001.
gnomAD v4.1: 6 of 1,548,246 alleles (0.00039%); highest among the groups gnomAD compares: African/African-American, 0.0014%; no homozygotes.

Submission:

Labcorp Genetics (formerly Invitae), Labcorp
Classification: Uncertain significance. Last evaluated: 2022-09-07. Review status: criteria provided, single submitter. Criteria: Invitae Variant Classification Sherloc (09022015). Collection method: clinical testing. Allele origin: germline.
Comment: In summary, the available evidence is currently insufficient to determine the role of this variant in disease. Therefore, it has been classified as a Variant of Uncertain Significance. Variants that disrupt the consensus splice site are a relatively common cause of aberrant splicing (PMID: 17576681, 9536098). Algorithms developed to predict the effect of sequence changes on RNA splicing suggest that this variant is not likely to affect RNA splicing. This variant has not been reported in the literature in individuals affected with FGF8-related conditions. This variant is not present in population databases (gnomAD no frequency). This sequence change falls in intron 3 of the FGF8 gene. It does not directly change the encoded amino acid sequence of the FGF8 protein. It affects a nucleotide within the consensus splice site.

Literature cited by the submitters: PubMed 17576681; PubMed 9536098.

NM_033163.5(FGF8):c.156+3G>A

Gene: FGF8 (fibroblast growth factor 8; minus strand). Cytogenetic location: 10q24.32.
Variant type: single nucleotide variant.
Coding change: c.156+3G>A on transcript NM_033163.5 (MANE Select); 3 bases into the intron after coding-DNA position 156, G replaced by A.
Molecular consequence: intron variant.
Genome position (GRCh38, 1-based): chr10:101,775,127, C>T on the plus strand (G>A on the coding strand, the complement: FGF8 is on the minus strand). VCF-style: chr10-101775127-C-T. GRCh37 (hg19) VCF-style: chr10-103534884-C-T.
Other names: c.-123-248G>A (NM_001206389.2); c.70-248G>A (NM_033165.5); c.70-215G>A (NM_006119.6); c.156+3G>A (NM_033164.4).
Identifiers: ClinVar variation 1932646 (VCV001932646.5), dbSNP rs1032350253, ClinGen allele CA212183285.